The following is an entry in ClinVar:

ClinVar aggregate classification (germline): Uncertain significance (1 of 4 stars; one submission).

Conditions:
Lymphoproliferative syndrome 2 (LPFS2). Also called: Combined immunodeficiency due to CD27 deficiency; CD27 DEFICIENCY. Identifiers: Orphanet 238505, MedGen C3554540, MONDO:0014054, OMIM 615122.

Allele frequency attached by ClinVar (database versions not stated): TOPMed below 0.00001; gnomAD 0.00003.
gnomAD v4.1: 25 of 1,613,906 alleles (0.0015%); highest among the groups gnomAD compares: Middle Eastern, 0.016%; no homozygotes.

Submission:

Labcorp Genetics (formerly Invitae), Labcorp
Classification: Uncertain significance for Lymphoproliferative syndrome 2. Last evaluated: 2026-02-01. Review status: criteria provided, single submitter. Criteria: Invitae Variant Classification Sherloc (09022015). Collection method: clinical testing. Allele origin: germline.
Comment: This sequence change replaces arginine, which is basic and polar, with histidine, which is basic and polar, at codon 191 of the CD27 protein (p.Arg191His). This variant is present in population databases (no rsID available, gnomAD 0.0009%). This variant has not been reported in the literature in individuals affected with CD27-related conditions. ClinVar contains an entry for this variant (Variation ID: 2202414). Invitae Evidence Modeling of protein sequence and biophysical properties (such as structural, functional, and spatial information, amino acid conservation, physicochemical variation, residue mobility, and thermodynamic stability) has been performed for this missense variant. However, the output from this modeling did not meet the statistical confidence thresholds required to predict the impact of this variant on CD27 protein function. In summary, the available evidence is currently insufficient to determine the role of this variant in disease. Therefore, it has been classified as a Variant of Uncertain Significance.

NM_001242.5(CD27):c.572G>A (p.Arg191His)

Genes: CD27 (CD27 molecule; plus strand), CD27-AS1 (CD27 antisense RNA 1; minus strand), LOC130007242 (ATAC-STARR-seq lymphoblastoid active region 5859; plus strand). Cytogenetic location: 12p13.31.
Variant type: single nucleotide variant.
Coding change: c.572G>A on transcript NM_001242.5 (MANE Select); coding-DNA position 572, G replaced by A.
Protein change: p.Arg191His; replaces arginine 191 with histidine.
Molecular consequence: missense variant. On other transcripts: non-coding transcript variant (1).
Genome position (GRCh38, 1-based): chr12:6,450,928, G>A. VCF-style: chr12-6450928-G-A. GRCh37 (hg19) VCF-style: chr12-6560094-G-A.
Other names: c.665G>A, p.Arg222His (NM_001413263.1); c.545G>A, p.Arg182His (NM_001413264.1); c.392G>A, p.Arg131His (NM_001413265.1); c.122G>A, p.Arg41His (NM_001413266.1, NM_001413267.1, NM_001413268.1); short protein forms R131H, R222H, R41H, R182H, R191H.
Identifiers: ClinVar variation 2202414 (VCV002202414.2), dbSNP rs1297439808, ClinGen allele CA383551111.